The following is an entry in ClinVar:

NC_000023.11:g.(?_18506933)_(18604888_?)del

Gene: CDKL5 (cyclin dependent kinase like 5; plus strand). Cytogenetic location: Xp22.13.
Variant type: Deletion.
Identifiers: ClinVar variation 831097 (VCV000831097.1).

ClinVar aggregate classification (germline): Pathogenic (1 of 4 stars; one submission).

Conditions:
Developmental and epileptic encephalopathy, 2 (DEE2). Also called: INFANTILE SPASM SYNDROME, X-LINKED 2; CDKL5 deficiency disorder. Identifiers: Orphanet 1934, Orphanet 3451, Orphanet 505652, MedGen C4750718, MONDO:0010396, OMIM 300672.
Angelman syndrome-like. Identifiers: MedGen CN128785.

Submission:

Labcorp Genetics (formerly Invitae), Labcorp
Classification: Pathogenic for Developmental and epileptic encephalopathy, 2; Angelman syndrome-like. Last evaluated: 2019-04-12. Review status: criteria provided, single submitter. Criteria: Invitae Variant Classification Sherloc (09022015). Collection method: clinical testing. Allele origin: germline.
Comment: This variant is a gross deletion of the genomic region encompassing exons 2-12 of the CDKL5 gene, which includes the initiator codon. The 5' end of this event is unknown as it extends beyond the assayed region for this gene and therefore may encompass additional genes. The 3' boundary is likely confined to intron 12 of the CDKL5 gene. This is expected to result in an absent or disrupted protein product. Isolated deletions of exons 2-12 of CDKL5 have not been reported in the literature. However, copy number events that include the initiator codon have been reported (PMID:21293276, 19471977, 20848651). Loss-of-function variants in CDKL5 are known to be pathogenic (PMID: 22872100). For these reasons, this variant has been classified as Pathogenic.

Literature cited by the submitters: PubMed 19471977; PubMed 20848651; PubMed 21293276.